The following is an entry in ClinVar:

ClinVar aggregate classification (germline): Pathogenic (1 of 4 stars; one submission).

Conditions:
Joubert syndrome 18 (JBTS18). Identifiers: Orphanet 2754, MedGen C3553758, MONDO:0013896, OMIM 614815.
Orofacial-digital syndrome IV (OFD4). Also called: BARAITSER-BURN SYNDROME; OFD SYNDROME WITH TIBIAL DEFECTS; OFD SYNDROME, BARAITSER-BURN TYPE; OFDS IV; ORAL-FACIAL-DIGITAL SYNDROME, TYPE IV; Orofaciodigital syndrome IV. Identifiers: Orphanet 2753, MedGen C0406727, MONDO:0009794, OMIM 258860.

Submission:

Labcorp Genetics (formerly Invitae), Labcorp
Classification: Pathogenic for Joubert syndrome 18; Orofacial-digital syndrome IV. Last evaluated: 2022-09-18. Review status: criteria provided, single submitter. Criteria: Invitae Variant Classification Sherloc (09022015). Collection method: clinical testing. Allele origin: germline.
Comment: For these reasons, this variant has been classified as Pathogenic. This variant has not been reported in the literature in individuals affected with TCTN3-related conditions. This variant is not present in population databases (gnomAD no frequency). This sequence change creates a premature translational stop signal (p.Leu248Profs*4) in the TCTN3 gene. It is expected to result in an absent or disrupted protein product. Loss-of-function variants in TCTN3 are known to be pathogenic (PMID: 2692869, 22883145, 25118024).

Literature cited by the submitters: PubMed 2692869; PubMed 22883145; PubMed 25118024.

NM_015631.6(TCTN3):c.737_738insC (p.Leu248fs)

Gene: TCTN3 (tectonic family member 3; minus strand). Cytogenetic location: 10q24.1.
Variant type: Insertion.
Coding change: c.737_738insC on transcript NM_015631.6 (MANE Select); coding-DNA positions 737 to 738, C inserted.
Protein change: p.Leu248fs; shifts the reading frame from leucine 248.
Molecular consequence: frameshift variant.
Genome position: GRCh38 VCF-style: chr10-95687158-A-AG. GRCh37 (hg19) VCF-style: chr10-97446915-A-AG.
Other names: c.791_792insC, p.Leu266Profs (NM_001013840.1); c.500_501insC, p.Leu169fs (NM_001143973.2); c.737_738insC, p.Leu248Profs (NM_001410982.1); short protein forms L169fs, L248fs.
Identifiers: ClinVar variation 2413854 (VCV002413854.5), dbSNP rs2492761413, ClinGen allele CA2580082514.
Genomic context (GRCh38, chr10:95,687,158, plus strand): 5'-ACAGCTACTAGCCAGGTTCTTGAAAAAACGAGTGCAAGTTGTACTTTTACTCTCTAGGAA[A>AG]CCTTAAACACAAATAATTAAGAGAGTGGTAAATGAGAAAGCCTGTTTTAAATTGAATGAA-3'